The following is an entry in ClinVar:

ClinVar aggregate classification (germline): Uncertain significance. Review status: criteria provided, single submitter (1 of 4 stars). 2 submissions from 2 submitters: Uncertain significance (1). 1 of the submissions does not count toward it. Last evaluated 2025-06-03.

Conditions:
PLXNA3-related disorder. Also called: PLXNA3-related condition.

gnomAD v4.1: 76 of 1,194,256 alleles (0.0064%); highest among the groups gnomAD compares: Middle Eastern, 0.046%; no homozygotes.

Submissions (2):

Ambry Genetics
Classification: Uncertain significance. Last evaluated: 2025-06-03. Review status: criteria provided, single submitter. Criteria: Ambry Variant Classification Scheme 2023. Collection method: clinical testing. Allele origin: germline.

PreventionGenetics, part of Exact Sciences
Classification: Likely benign for PLXNA3-related condition. Last evaluated: 2023-04-14. Review status: no assertion criteria provided. Collection method: clinical testing. Allele origin: germline. Not counted in ClinVar's aggregate classification.
Comment: This variant is classified as likely benign based on ACMG/AMP sequence variant interpretation guidelines (Richards et al. 2015 PMID: 25741868, with internal and published modifications).

NM_017514.5(PLXNA3):c.3034A>T (p.Ser1012Cys)

Gene: PLXNA3 (plexin A3; plus strand). Cytogenetic location: Xq28.
Variant type: single nucleotide variant.
Coding change: c.3034A>T on transcript NM_017514.5 (MANE Select); coding-DNA position 3034, A replaced by T.
Protein change: p.Ser1012Cys; replaces serine 1012 with cysteine.
Molecular consequence: missense variant.
Genome position (GRCh38, 1-based): chrX:154,466,720, A>T. VCF-style: chrX-154466720-A-T. GRCh37 (hg19) VCF-style: chrX-153695063-A-T.
Other names: c.3034A>T (NM_017514.3); short protein forms S1012C.
Identifiers: ClinVar variation 3349594 (VCV003349594.2).